The following is an entry in ClinVar:

NM_017849.4(TMEM127):c.249C>A (p.Phe83Leu)

Gene: TMEM127 (transmembrane protein 127; minus strand). Cytogenetic location: 2q11.2.
Variant type: single nucleotide variant.
Coding change: c.249C>A on transcript NM_017849.4 (MANE Select); coding-DNA position 249, C replaced by A.
Protein change: p.Phe83Leu; replaces phenylalanine 83 with leucine.
Molecular consequence: missense variant. On other transcripts: 5 prime UTR variant (2).
Genome position (GRCh38, 1-based): chr2:96,254,993, G>T on the plus strand (C>A on the coding strand, the complement: TMEM127 is on the minus strand). VCF-style: chr2-96254993-G-T. GRCh37 (hg19) VCF-style: chr2-96920731-G-T.
Other names: c.249C>A, p.Phe83Leu (NM_001193304.3); c.-4C>A (NM_001407282.1, NM_001407283.1); short protein forms F83L.
Identifiers: ClinVar variation 2761287 (VCV002761287.3), dbSNP rs2467266763, ClinGen allele CA347653710.

ClinVar aggregate classification (germline): Uncertain significance (1 of 4 stars; one submission).

Conditions:
Hereditary pheochromocytoma and paraganglioma. Also called: Hereditary Paraganglioma-Pheochromocytoma Syndromes; Hereditary pheochromocytoma-paraganglioma; Hereditary paragangliomas and pheochromocytomas. Identifiers: Orphanet 29072, MedGen C4274332, MONDO:0017366.

Submission:

Labcorp Genetics (formerly Invitae), Labcorp
Classification: Uncertain significance for Hereditary pheochromocytoma and paraganglioma. Last evaluated: 2023-09-17. Review status: criteria provided, single submitter. Criteria: Invitae Variant Classification Sherloc (09022015). Collection method: clinical testing. Allele origin: germline.
Comment: This variant is not present in population databases (gnomAD no frequency). In summary, the available evidence is currently insufficient to determine the role of this variant in disease. Therefore, it has been classified as a Variant of Uncertain Significance. An algorithm developed to predict the effect of missense changes on protein structure and function (PolyPhen-2) suggests that this variant is likely to be tolerated. This variant has not been reported in the literature in individuals affected with TMEM127-related conditions. This sequence change replaces phenylalanine, which is neutral and non-polar, with leucine, which is neutral and non-polar, at codon 83 of the TMEM127 protein (p.Phe83Leu).